The following is an entry in ClinVar:

ClinVar aggregate classification (germline): Uncertain significance. Review status: criteria provided, multiple submitters, no conflicts (2 of 4 stars). 2 submissions from 2 submitters: Uncertain significance (2). Last evaluated 2024-06-28.

Conditions:
Charcot-Marie-Tooth disease type 2. Also called: Charcot-Marie-Tooth type 2. Identifiers: Orphanet 64746, MedGen C0270914, MONDO:0018993.
Cardiovascular phenotype. Identifiers: MedGen CN230736.

Submissions (2):

Labcorp Genetics (formerly Invitae), Labcorp
Classification: Uncertain significance for Charcot-Marie-Tooth disease type 2. Last evaluated: 2024-06-28. Review status: criteria provided, single submitter. Criteria: Invitae Variant Classification Sherloc (09022015). Collection method: clinical testing. Allele origin: germline.
Comment: This sequence change replaces arginine, which is basic and polar, with glycine, which is neutral and non-polar, at codon 427 of the LMNA protein (p.Arg427Gly). This variant is not present in population databases (gnomAD no frequency). This variant has not been reported in the literature in individuals affected with LMNA-related conditions. ClinVar contains an entry for this variant (Variation ID: 2608256). Advanced modeling of protein sequence and biophysical properties (such as structural, functional, and spatial information, amino acid conservation, physicochemical variation, residue mobility, and thermodynamic stability) performed at Invitae indicates that this missense variant is expected to disrupt LMNA protein function with a positive predictive value of 95%. Experimental studies have shown that this missense change affects LMNA function (PMID: 23977161). In summary, the available evidence is currently insufficient to determine the role of this variant in disease. Therefore, it has been classified as a Variant of Uncertain Significance.

Ambry Genetics
Classification: Uncertain significance for Cardiovascular phenotype. Last evaluated: 2023-09-04. Review status: criteria provided, single submitter. Criteria: Ambry Variant Classification Scheme 2023. Collection method: clinical testing. Allele origin: germline.
Comment: The p.R427G variant (also known as c.1279C>G), located in coding exon 7 of the LMNA gene, results from a C to G substitution at nucleotide position 1279. The arginine at codon 427 is replaced by glycine, an amino acid with dissimilar properties. This alteration has been reported in a sudden unexplained infant death cohort (Yang L et al. PLoS One, 2013 Aug;8:e71850). This alteration may have an impact on protein function (Heathfield LJ et al. J Pediatr Genet, 2022 Dec;11:292-297). This amino acid position is not well conserved in available vertebrate species. In addition, this alteration is predicted to be deleterious by in silico analysis. Since supporting evidence is limited at this time, the clinical significance of this alteration remains unclear.

Literature cited by the submitters: PubMed 23977161 (cited by Labcorp Genetics (formerly Invitae), Labcorp and Ambry Genetics); PubMed 36267857 (cited by Ambry Genetics).

NM_170707.4(LMNA):c.1279C>G (p.Arg427Gly)

Gene: LMNA (lamin A/C; plus strand). Cytogenetic location: 1q22.
Variant type: single nucleotide variant.
Coding change: c.1279C>G on transcript NM_170707.4 (MANE Select); coding-DNA position 1279, C replaced by G.
Protein change: p.Arg427Gly; replaces arginine 427 with glycine.
Molecular consequence: missense variant.
Genome position (GRCh38, 1-based): chr1:156,136,335, C>G. VCF-style: chr1-156136335-C-G. GRCh37 (hg19) VCF-style: chr1-156106126-C-G.
Other names: c.943C>G, p.Arg315Gly (NM_001257374.3, NM_001406989.1, NM_001406998.1); c.1036C>G, p.Arg346Gly (NM_001282624.2, NM_001406986.1, NM_001406987.1); c.1279C>G, p.Arg427Gly (NM_001282625.2, NM_001282626.2, NM_001406983.1 and 6 more transcripts); c.982C>G, p.Arg328Gly (NM_001406988.1); c.721C>G, p.Arg241Gly (NM_001406990.1, NM_001406993.1, NM_001406995.1 and 4 more transcripts); c.655C>G, p.Arg219Gly (NM_001406994.1, NM_001406999.1, NM_001407000.1 and 1 more transcripts); short protein forms R219G, R241G, R346G, R315G, R427G, R328G.
Identifiers: ClinVar variation 2608256 (VCV002608256.4), dbSNP rs373584456, ClinGen allele CA342821614.